The following is an entry in ClinVar:

NM_001353921.2(ARHGEF9):c.995T>C (p.Met332Thr)

Gene: ARHGEF9 (Cdc42 guanine nucleotide exchange factor 9; minus strand). Cytogenetic location: Xq11.1.
Variant type: single nucleotide variant.
Coding change: c.995T>C on transcript NM_001353921.2 (MANE Select); coding-DNA position 995, T replaced by C.
Protein change: p.Met332Thr; replaces methionine 332 with threonine.
Molecular consequence: missense variant. On other transcripts: intron variant (5).
Genome position (GRCh38, 1-based): chrX:63,665,968, A>G on the plus strand (T>C on the coding strand, the complement: ARHGEF9 is on the minus strand). VCF-style: chrX-63665968-A-G. GRCh37 (hg19) VCF-style: chrX-62885848-A-G.
Other names: c.815T>C, p.Met272Thr (NM_001173479.2); c.668T>C, p.Met223Thr (NM_001173480.2, NM_001369042.1); c.911T>C, p.Met304Thr (NM_001330495.2, NM_001369033.1, NM_001369034.1 and 6 more transcripts); c.1013T>C, p.Met338Thr (NM_001353923.1); c.794T>C, p.Met265Thr (NM_001353924.2, NM_001353926.2, NM_001369039.1 and 1 more transcripts); c.974T>C, p.Met325Thr (NM_001369030.1, NM_001369031.1, NM_001369032.1 and 1 more transcripts); c.945+8070T>C (NM_001353922.2); c.861+8070T>C (NM_001369041.1, NM_001353927.2); and 2 more; short protein forms M332T, M223T, M265T, M304T, M272T, M325T, M338T.
Identifiers: ClinVar variation 2546673 (VCV002546673.3), dbSNP rs2519681859, ClinGen allele CA413405667.

ClinVar aggregate classification (germline): Uncertain significance (1 of 4 stars; one submission).

Conditions:
Inborn genetic diseases. Identifiers: MedGen C0950123, MeSH D030342.

Submission:

Ambry Genetics
Classification: Uncertain significance for Inborn genetic diseases. Last evaluated: 2023-06-21. Review status: criteria provided, single submitter. Criteria: Ambry Variant Classification Scheme 2023. Collection method: clinical testing. Allele origin: germline.
Comment: The c.974T>C (p.M325T) alteration is located in exon 7 (coding exon 7) of the ARHGEF9 gene. This alteration results from a T to C substitution at nucleotide position 974, causing the methionine (M) at amino acid position 325 to be replaced by a threonine (T). This variant was not reported in population-based cohorts in the Genome Aggregation Database (gnomAD). This amino acid position is not well conserved in available vertebrate species. The in silico prediction for this alteration is inconclusive. Based on insufficient or conflicting evidence, the clinical significance of this alteration remains unclear.